The following is an entry in ClinVar:

NM_213649.2(SFXN4):c.636T>C (p.Asn212=)

Gene: SFXN4 (sideroflexin 4; minus strand). Cytogenetic location: 10q26.11.
Variant type: single nucleotide variant.
Coding change: c.636T>C on transcript NM_213649.2 (MANE Select); coding-DNA position 636, T replaced by C.
Protein change: p.Asn212=; no amino-acid change (asparagine 212 retained).
Molecular consequence: synonymous variant. On other transcripts: non-coding transcript variant (1).
Genome position (GRCh38, 1-based): chr10:119,155,158, A>G on the plus strand (T>C on the coding strand, the complement: SFXN4 is on the minus strand). VCF-style: chr10-119155158-A-G. GRCh37 (hg19) VCF-style: chr10-120914670-A-G.
Identifiers: ClinVar variation 517891 (VCV000517891.1), dbSNP rs1554887505, ClinGen allele CA471625603.

ClinVar aggregate classification (germline): Likely benign (1 of 4 stars; one submission).

Submission:

GeneDx
Classification: Likely benign. Last evaluated: 2017-06-12. Review status: criteria provided, single submitter. Criteria: GeneDx Variant Classification (06012015). Collection method: clinical testing. Allele origin: germline. Affected: yes.
Comment: This variant is considered likely benign or benign based on one or more of the following criteria: it is a conservative change, it occurs at a poorly conserved position in the protein, it is predicted to be benign by multiple in silico algorithms, and/or has population frequency not consistent with disease.